The following is an entry in ClinVar:

NM_000270.4(PNP):c.502C>T (p.Arg168Trp)

Gene: PNP (purine nucleoside phosphorylase; plus strand). Cytogenetic location: 14q11.2.
Variant type: single nucleotide variant.
Coding change: c.502C>T on transcript NM_000270.4 (MANE Select); coding-DNA position 502, C replaced by T.
Protein change: p.Arg168Trp; replaces arginine 168 with tryptophan.
Molecular consequence: missense variant.
Genome position (GRCh38, 1-based): chr14:20,475,102, C>T. VCF-style: chr14-20475102-C-T. GRCh37 (hg19) VCF-style: chr14-20943261-C-T.
Other names: short protein forms R168W.
Identifiers: ClinVar variation 2162851 (VCV002162851.1), dbSNP rs544510557, ClinGen allele CA7082155.

ClinVar aggregate classification (germline): Uncertain significance (1 of 4 stars; one submission).

Conditions:
Purine-nucleoside phosphorylase deficiency. Also called: Immunodeficiency due to purine nucleoside phosphorylase deficiency; NUCLEOSIDE PHOSPHORYLASE DEFICIENCY. Identifiers: Orphanet 760, MedGen C0268125, MONDO:0013171, OMIM 613179.

Allele frequency attached by ClinVar (database versions not stated): gnomAD exomes 0.00001; gnomAD 0.00003; TOPMed 0.00003; ExAC 0.00004; 1000 Genomes Project 30x 0.00016; 1000 Genomes Project 0.00020.
gnomAD v4.1: 24 of 1,614,148 alleles (0.0015%); highest among the groups gnomAD compares: African/African-American, 0.0053%; no homozygotes.

Submission:

Labcorp Genetics (formerly Invitae), Labcorp
Classification: Uncertain significance for Purine-nucleoside phosphorylase deficiency. Last evaluated: 2022-04-30. Review status: criteria provided, single submitter. Criteria: Invitae Variant Classification Sherloc (09022015). Collection method: clinical testing. Allele origin: germline.
Comment: This sequence change replaces arginine, which is basic and polar, with tryptophan, which is neutral and slightly polar, at codon 168 of the PNP protein (p.Arg168Trp). This variant is present in population databases (rs544510557, gnomAD 0.007%). This variant has not been reported in the literature in individuals affected with PNP-related conditions. Algorithms developed to predict the effect of missense changes on protein structure and function are either unavailable or do not agree on the potential impact of this missense change (SIFT: "Deleterious"; PolyPhen-2: "Benign"; Align-GVGD: "Class C0"). In summary, the available evidence is currently insufficient to determine the role of this variant in disease. Therefore, it has been classified as a Variant of Uncertain Significance.